The following is an entry in ClinVar:

ClinVar aggregate classification (germline): Conflicting classifications of pathogenicity. Review status: criteria provided, conflicting classifications (1 of 4 stars). 3 submissions from 3 submitters: Uncertain significance (1); Likely benign (2). Last evaluated 2025-02-04.

Conditions:
TTLL5-related disorder. Also called: TTLL5-related condition.

Allele frequency attached by ClinVar (database versions not stated): gnomAD exomes 0.00005 and 0.00010; ExAC 0.00012; 1000 Genomes Project 30x 0.00031; 1000 Genomes Project 0.00040; ESP Exome Variant Server 0.00046; gnomAD 0.00056 and 0.00058; TOPMed 0.00066.
gnomAD v4.1: 164 of 1,614,174 alleles (0.01%); highest among the groups gnomAD compares: African/African-American, 0.18%; no homozygotes.

Submissions (3):

PreventionGenetics, part of Exact Sciences
Classification: Likely benign for TTLL5-related condition. Last evaluated: 2025-02-04. Review status: criteria provided, single submitter. Criteria: ACMG Guidelines, 2015. Collection method: clinical testing. Allele origin: germline.
Comment: This variant is classified as likely benign based on ACMG/AMP sequence variant interpretation guidelines (Richards et al. 2015 PMID: 25741868, with internal and published modifications).

Blueprint Genetics
Classification: Likely benign. Last evaluated: 2024-06-04. Review status: criteria provided, single submitter. Criteria: ACMG Guidelines, 2015. Collection method: clinical testing. Allele origin: germline.

Labcorp Genetics (formerly Invitae), Labcorp
Classification: Uncertain significance. Last evaluated: 2023-08-10. Review status: criteria provided, single submitter. Criteria: Invitae Variant Classification Sherloc (09022015). Collection method: clinical testing. Allele origin: germline.
Comment: In summary, the available evidence is currently insufficient to determine the role of this variant in disease. Therefore, it has been classified as a Variant of Uncertain Significance. Algorithms developed to predict the effect of missense changes on protein structure and function output the following: SIFT: "Not Available"; PolyPhen-2: "Benign"; Align-GVGD: "Not Available". The alanine amino acid residue is found in multiple mammalian species, which suggests that this missense change does not adversely affect protein function. ClinVar contains an entry for this variant (Variation ID: 850171). This variant has not been reported in the literature in individuals affected with TTLL5-related conditions. This variant is present in population databases (rs137888249, gnomAD 0.2%). This sequence change replaces valine, which is neutral and non-polar, with alanine, which is neutral and non-polar, at codon 1268 of the TTLL5 protein (p.Val1268Ala).

NM_015072.5(TTLL5):c.3803T>C (p.Val1268Ala)

Gene: TTLL5 (tubulin tyrosine ligase like 5; plus strand). Cytogenetic location: 14q24.3.
Variant type: single nucleotide variant.
Coding change: c.3803T>C on transcript NM_015072.5 (MANE Select); coding-DNA position 3803, T replaced by C.
Protein change: p.Val1268Ala; replaces valine 1268 with alanine.
Molecular consequence: missense variant.
Genome position (GRCh38, 1-based): chr14:75,902,204, T>C. VCF-style: chr14-75902204-T-C. GRCh37 (hg19) VCF-style: chr14-76368547-T-C.
Other names: short protein forms V1268A.
Identifiers: ClinVar variation 850171 (VCV000850171.8), dbSNP rs137888249, ClinGen allele CA7280171.